The following is an entry in ClinVar:

NM_144596.4(TTC8):c.800T>A (p.Val267Asp)

Gene: TTC8 (tetratricopeptide repeat domain 8; plus strand). Cytogenetic location: 14q31.3.
Variant type: single nucleotide variant.
Coding change: c.800T>A on transcript NM_144596.4 (MANE Select); coding-DNA position 800, T replaced by A.
Protein change: p.Val267Asp; replaces valine 267 with aspartic acid.
Molecular consequence: missense variant. On other transcripts: non-coding transcript variant (1).
Genome position (GRCh38, 1-based): chr14:88,861,223, T>A. VCF-style: chr14-88861223-T-A. GRCh37 (hg19) VCF-style: chr14-89327567-T-A.
Other names: c.848T>A, p.Val283Asp (NM_001288781.1); c.206T>A, p.Val69Asp (NM_001288782.1); c.83T>A, p.Val28Asp (NM_001288783.1); c.770T>A, p.Val257Asp (NM_001366535.2, NM_198309.3); c.680T>A, p.Val227Asp (NM_001366536.2, NM_198310.3); c.800T>A (NM_144596.3); short protein forms V283D, V28D, V227D, V257D, V267D, V69D.
Identifiers: ClinVar variation 884950 (VCV000884950.14), dbSNP rs770333148, ClinGen allele CA7302605.

ClinVar aggregate classification (germline): Uncertain significance. Review status: criteria provided, multiple submitters, no conflicts (2 of 4 stars). 7 submissions from 6 submitters: Uncertain significance (6). 1 of the submissions does not count toward it. Last evaluated 2024-04-26.

Conditions:
TTC8-related disorder. Also called: TTC8-related condition.
Retinitis pigmentosa (RP). Identifiers: Orphanet 791, MedGen C0035334, MeSH D012174, MONDO:0019200, OMIM 268000. Inheritance: Autosomal dominant, autosomal recessive and X linked inheritance.
Bardet-Biedl syndrome (BBS). Identifiers: Orphanet 110, MedGen C0752166, MONDO:0015229.
Inborn genetic diseases. Identifiers: MedGen C0950123, MeSH D030342.
Bardet-Biedl syndrome 8 (BBS8). Identifiers: Orphanet 110, MedGen C1859566, MONDO:0014436, OMIM 615985.
Retinitis pigmentosa 51 (RP51). Identifiers: Orphanet 791, MedGen C3150715, MONDO:0013274, OMIM 613464.

Allele frequency attached by ClinVar (database versions not stated): gnomAD exomes 0.00002; ExAC 0.00003; gnomAD 0.00004 and 0.00005; TOPMed 0.00008.
gnomAD v4.1: 34 of 1,606,980 alleles (0.0021%); highest among the groups gnomAD compares: Non-Finnish European, 0.0029%; no homozygotes.

Submissions (7):

Fulgent Genetics
Classification: Uncertain significance for Retinitis pigmentosa 51; Bardet-Biedl syndrome 8. Last evaluated: 2024-04-26. Review status: criteria provided, single submitter. Criteria: ACMG Guidelines, 2015. Collection method: clinical testing. Allele origin: germline.

Ambry Genetics
Classification: Uncertain significance for Inborn genetic diseases. Last evaluated: 2024-02-13. Review status: criteria provided, single submitter. Criteria: Ambry Variant Classification Scheme 2023. Collection method: clinical testing. Allele origin: germline.

Labcorp Genetics (formerly Invitae), Labcorp
Classification: Uncertain significance for Bardet-Biedl syndrome. Last evaluated: 2022-08-05. Review status: criteria provided, single submitter. Criteria: Invitae Variant Classification Sherloc (09022015). Collection method: clinical testing. Allele origin: germline.
Comment: This sequence change replaces valine, which is neutral and non-polar, with aspartic acid, which is acidic and polar, at codon 257 of the TTC8 protein (p.Val257Asp). This variant is present in population databases (rs770333148, gnomAD 0.005%). This variant has not been reported in the literature in individuals affected with TTC8-related conditions. ClinVar contains an entry for this variant (Variation ID: 884950). Algorithms developed to predict the effect of missense changes on protein structure and function are either unavailable or do not agree on the potential impact of this missense change (SIFT: "Deleterious"; PolyPhen-2: "Probably Damaging"; Align-GVGD: "Class C0"). In summary, the available evidence is currently insufficient to determine the role of this variant in disease. Therefore, it has been classified as a Variant of Uncertain Significance.

Blueprint Genetics
Classification: Uncertain significance. Last evaluated: 2022-02-23. Review status: criteria provided, single submitter. Criteria: ACMG Guidelines, 2015. Collection method: clinical testing. Allele origin: germline.

Illumina Laboratory Services, Illumina
Classification: Uncertain significance for Retinitis pigmentosa. Last evaluated: 2018-01-13. Review status: criteria provided, single submitter. Criteria: ICSL Variant Classification Criteria 13 December 2019. Collection method: clinical testing. Allele origin: germline.

Illumina Laboratory Services, Illumina
Classification: Uncertain significance for Bardet-Biedl syndrome 8. Last evaluated: 2018-01-13. Review status: criteria provided, single submitter. Criteria: ICSL Variant Classification Criteria 13 December 2019. Collection method: clinical testing. Allele origin: germline.

PreventionGenetics, part of Exact Sciences
Classification: Uncertain significance for TTC8-related condition. Last evaluated: 2024-09-03. Review status: no assertion criteria provided. Collection method: clinical testing. Allele origin: germline. Not counted in ClinVar's aggregate classification.
Comment: The TTC8 c.800T>A variant is predicted to result in the amino acid substitution p.Val267Asp. To our knowledge, this variant has not been reported in the literature. This variant is reported in 0.0053% of alleles in individuals of European (Non-Finnish) descent in gnomAD. At this time, the clinical significance of this variant is uncertain due to the absence of conclusive functional and genetic evidence.